The following is an entry in ClinVar:

ClinVar aggregate classification (germline): Uncertain significance (1 of 4 stars; one submission).

Submission:

Labcorp Genetics (formerly Invitae), Labcorp
Classification: Uncertain significance. Last evaluated: 2025-06-12. Review status: criteria provided, single submitter. Criteria: Invitae Variant Classification Sherloc (09022015). Collection method: clinical testing. Allele origin: germline.
Comment: This sequence change replaces alanine, which is neutral and non-polar, with valine, which is neutral and non-polar, at codon 221 of the ANLN protein (p.Ala221Val). This variant is not present in population databases (gnomAD no frequency). This variant has not been reported in the literature in individuals affected with ANLN-related conditions. ClinVar contains an entry for this variant (Variation ID: 1474187). An algorithm developed to predict the effect of missense changes on protein structure and function (PolyPhen-2) suggests that this variant is likely to be disruptive. In summary, the available evidence is currently insufficient to determine the role of this variant in disease. Therefore, it has been classified as a Variant of Uncertain Significance.

NM_018685.5(ANLN):c.662C>T (p.Ala221Val)

Gene: ANLN (anillin, actin binding protein; plus strand). Cytogenetic location: 7p14.2.
Variant type: single nucleotide variant.
Coding change: c.662C>T on transcript NM_018685.5 (MANE Select); coding-DNA position 662, C replaced by T.
Protein change: p.Ala221Val; replaces alanine 221 with valine.
Molecular consequence: missense variant.
Genome position (GRCh38, 1-based): chr7:36,406,355, C>T. VCF-style: chr7-36406355-C-T. GRCh37 (hg19) VCF-style: chr7-36445964-C-T.
Other names: c.662C>T, p.Ala221Val (NM_001284301.3, NM_001284302.3); short protein forms A221V.
Identifiers: ClinVar variation 1474187 (VCV001474187.6), dbSNP rs2116574424, ClinGen allele CA367206845.